The following is an entry in ClinVar:

ClinVar aggregate classification (germline): Pathogenic (1 of 4 stars; one submission).

Conditions:
Familial cancer of breast. Also called: Hereditary breast cancer; BREAST CANCER, FAMILIAL; hereditary breast carcinoma. Identifiers: Orphanet 227535, MedGen C0346153, MONDO:0016419, OMIM 114480. Disease mechanism: loss of function.

Submission:

Labcorp Genetics (formerly Invitae), Labcorp
Classification: Pathogenic for Familial cancer of breast. Last evaluated: 2023-05-24. Review status: criteria provided, single submitter. Criteria: Invitae Variant Classification Sherloc (09022015). Collection method: clinical testing. Allele origin: germline.
Comment: For these reasons, this variant has been classified as Pathogenic. This variant has not been reported in the literature in individuals affected with CHEK2-related conditions. This variant is not present in population databases (gnomAD no frequency). This sequence change creates a premature translational stop signal (p.Gln487Lysfs*8) in the CHEK2 gene. It is expected to result in an absent or disrupted protein product. Loss-of-function variants in CHEK2 are known to be pathogenic (PMID: 21876083, 24713400).

Literature cited by the submitters: PubMed 21876083; PubMed 24713400.

NM_007194.4(CHEK2):c.1443_1458dup (p.Gln487fs)

Gene: CHEK2 (checkpoint kinase 2; minus strand). Cytogenetic location: 22q12.1.
Variant type: Duplication.
Coding change: c.1443_1458dup on transcript NM_007194.4 (MANE Select); coding-DNA positions 1443 to 1458, 16 bases duplicated (AAGACACCCGTGGCTT).
Protein change: p.Gln487fs; shifts the reading frame from glutamine 487.
Molecular consequence: frameshift variant.
Genome position (GRCh38, 1-based): chr22:28,694,035-28,694,050, AAGCCACGGGTGTCTT duplicated on the plus strand (AAGACACCCGTGGCTT on the coding strand, the reverse complement: CHEK2 is on the minus strand); duplicating any 16 consecutive bases within chr22:28,694,035-28,694,053 gives the same sequence; the c. name uses the placement nearest the transcript's 3' end. VCF-style (leftmost placement, unchanged base first): chr22-28694034-G-GAAGCCACGGGTGTCTT. GRCh37 (hg19) VCF-style: chr22-29090022-G-GAAGCCACGGGTGTCTT.
Other names: c.1569_1584dup, p.Gln530Lysfs (NM_001005735.3); c.777_792dup, p.Gln266Lysfs (NM_001257387.3); c.1239_1254dup, p.Gln420Lysfs (NM_001349956.3); c.1353_1368dup, p.Gln458Lysfs (NM_145862.3); short protein forms Q487fs, Q530fs, Q266fs, Q420fs, Q458fs.
Identifiers: ClinVar variation 2703186 (VCV002703186.3), dbSNP rs2517786270, ClinGen allele CA2697552622.
Genomic context (GRCh38, chr22:28,694,034, plus strand): 5'-TCTCAGGCAGCAGGGCTTCCCATGTATTTTATGCTAGCAGGCACTGTCCCACACCCACCT[G>GAAGCCACGGGTGTCTT]AAGCCACGGGTGTCTTAAGGCTTCTTCTGTCGTAAAACGTGCCTTTGGATCCACTACCAA-3'